The following is an entry in ClinVar:

NM_001267550.2(TTN):c.39895+1G>C

Gene: TTN (titin; minus strand). Cytogenetic location: 2q31.2.
Variant type: single nucleotide variant.
Coding change: c.39895+1G>C on transcript NM_001267550.2 (MANE Select); the canonical splice donor site of the intron after coding-DNA position 39895, G replaced by C.
Molecular consequence: splice donor variant. On other transcripts: intron variant (3).
Genome position (GRCh38, 1-based): chr2:178,649,816, C>G on the plus strand (G>C on the coding strand, the complement: TTN is on the minus strand). VCF-style: chr2-178649816-C-G. GRCh37 (hg19) VCF-style: chr2-179514543-C-G.
Other names: c.13283-7499G>C (NM_003319.4); c.13859-7499G>C (NM_133437.4); c.13658-7499G>C (NM_133432.3); c.32593+1G>C (NM_133378.4); c.35374+1G>C (NM_001256850.1).
Identifiers: ClinVar variation 499311 (VCV000499311.18), dbSNP rs749931280, ClinGen allele CA349447873.

ClinVar aggregate classification (germline): Conflicting classifications of pathogenicity. Review status: criteria provided, conflicting classifications (1 of 4 stars). 3 submissions from 3 submitters: Likely pathogenic (1); Uncertain significance (2). Last evaluated 2024-10-17.

Conditions:
Dilated cardiomyopathy 1G (CMD1G). Identifiers: Orphanet 154, MedGen C1858763, MONDO:0011400, OMIM 604145.
Autosomal recessive limb-girdle muscular dystrophy type 2J (LGMDR10). Also called: MUSCULAR DYSTROPHY, LIMB-GIRDLE, AUTOSOMAL RECESSIVE 10; Limb-girdle muscular dystrophy, type 2J. Identifiers: Orphanet 140922, MedGen C1837342, MONDO:0012127, OMIM 608807.

Submissions (3):

Labcorp Genetics (formerly Invitae), Labcorp
Classification: Likely pathogenic for Dilated cardiomyopathy 1G; Autosomal recessive limb-girdle muscular dystrophy type 2J. Last evaluated: 2024-10-17. Review status: criteria provided, single submitter. Criteria: Invitae Variant Classification Sherloc (09022015). Collection method: clinical testing. Allele origin: germline.
Comment: This sequence change affects a donor splice site in intron 211 of the TTN gene. It is expected to disrupt RNA splicing and likely results in a truncated or disrupted TTN protein. This variant is not present in population databases (gnomAD no frequency). Disruption of this splice site has been observed in individual(s) with autosomal recessive congenital myopathy (internal data). This variant has been reported in individual(s) with clinical features of autosomal dominant dilated cardiomyopathy (internal data); however, the role of the variant in this condition is currently unclear. ClinVar contains an entry for this variant (Variation ID: 499311). Algorithms developed to predict the effect of sequence changes on RNA splicing suggest that this variant may disrupt the consensus splice site. This variant is located in the I band of TTN (PMID: 25589632). Truncating variants in this region have been reported in individuals affected with autosomal recessive centronuclear myopathy (PMID: 23975875, internal data). Truncating variants in this region have also been identified in individuals affected with autosomal dominant dilated cardiomyopathy and/or cardio-related conditions (PMID: 27869827, 32964742, internal data). In summary, the currently available evidence indicates that the variant is pathogenic, but additional data are needed to prove that conclusively. Therefore, this variant has been classified as Likely Pathogenic.

GeneDx
Classification: Uncertain significance. Last evaluated: 2022-04-11. Review status: criteria provided, single submitter. Criteria: GeneDx Variant Classification Process June 2021. Collection method: clinical testing. Allele origin: germline. Affected: yes.
Comment: Canonical splice site variant in a gene for which loss-of-function is not a known mechanism of disease; Not observed at significant frequency in large population cohorts (gnomAD); Has not been previously published as pathogenic or benign to our knowledge; This variant is associated with the following publications: (PMID: 23975875)

Eurofins Ntd Llc (ga)
Classification: Uncertain significance. Last evaluated: 2017-01-13. Review status: criteria provided, single submitter. Criteria: EGL Classification Definitions 2015. Collection method: clinical testing. Allele origin: germline. Observed: 1 variant allele, 1 heterozygote.

Literature cited by the submitters: PubMed 25589632 (cited by Labcorp Genetics (formerly Invitae), Labcorp); PubMed 23975875 (cited by Labcorp Genetics (formerly Invitae), Labcorp); PubMed 27869827 (cited by Labcorp Genetics (formerly Invitae), Labcorp); PubMed 32964742 (cited by Labcorp Genetics (formerly Invitae), Labcorp).